The following is an entry in ClinVar:

ClinVar aggregate classification (germline): Pathogenic/Likely pathogenic. Review status: criteria provided, multiple submitters, no conflicts (2 of 4 stars). 4 submissions from 4 submitters: Pathogenic (2); Likely pathogenic (2). Last evaluated 2025-09-29.

Conditions:
Trimethylaminuria (TMAU). Also called: FISH-ODOR SYNDROME; Primary Trimethylaminuria; Fish malodor syndrome; Stale fish syndrome; TMAuria. Identifiers: MedGen C0342739, MONDO:0011182, OMIM 602079, HP:0003614. Disease mechanism: loss of function.
FMO3-related disorder. Also called: FMO3-related condition.

Submissions (4):

Labcorp Genetics (formerly Invitae), Labcorp
Classification: Pathogenic. Last evaluated: 2025-09-29. Review status: criteria provided, single submitter. Criteria: Invitae Variant Classification Sherloc (09022015). Collection method: clinical testing. Allele origin: germline.
Comment: This sequence change creates a premature translational stop signal (p.Asn80Thrfs*22) in the FMO3 gene. It is expected to result in an absent or disrupted protein product. Loss-of-function variants in FMO3 are known to be pathogenic (PMID: 20301282). This variant is present in population databases (rs777700920, gnomAD 0.006%). This variant has not been reported in the literature in individuals affected with FMO3-related conditions. ClinVar contains an entry for this variant (Variation ID: 2828328). Algorithms developed to predict the effect of sequence changes on RNA splicing suggest that this variant may disrupt the consensus splice site. For these reasons, this variant has been classified as Pathogenic.

PreventionGenetics, part of Exact Sciences
Classification: Likely pathogenic for FMO3-related condition. Last evaluated: 2025-01-17. Review status: criteria provided, single submitter. Criteria: ACMG Guidelines, 2015. Collection method: clinical testing. Allele origin: germline.
Comment: The FMO3 c.237delC variant is predicted to result in a frameshift and premature protein termination (p.Asn80Thrfs*22). To our knowledge, this variant has not been reported in the literature. This variant is reported in 0.0058% of alleles in individuals of Latino descent in gnomAD. Frameshift variants in FMO3 are expected to be pathogenic. This variant is interpreted as likely pathogenic.

Women's Health and Genetics/Laboratory Corporation of America, LabCorp
Classification: Pathogenic for Trimethylaminuria. Last evaluated: 2024-09-09. Review status: criteria provided, single submitter. Criteria: LabCorp Variant Classification Summary - May 2015. Collection method: clinical testing. Allele origin: germline.
Comment: Variant summary: FMO3 c.237delC (p.Asn80ThrfsX22) results in a premature termination codon, predicted to cause a truncation of the encoded protein or absence of the protein due to nonsense mediated decay, which are commonly known mechanisms for disease. The variant allele was found at a frequency of 8e-06 in 251190 control chromosomes (gnomAD). To our knowledge, no occurrence of c.237delC in individuals affected with Trimethylaminuria and no experimental evidence demonstrating its impact on protein function have been reported. ClinVar contains an entry for this variant (Variation ID: 2828328). Based on the evidence outlined above, the variant was classified as pathogenic.

Fulgent Genetics
Classification: Likely pathogenic for Trimethylaminuria. Last evaluated: 2024-03-15. Review status: criteria provided, single submitter. Criteria: ACMG Guidelines, 2015. Collection method: clinical testing. Allele origin: germline.

Literature cited by the submitters: PubMed 20301282 (cited by Labcorp Genetics (formerly Invitae), Labcorp).

NM_001002294.3(FMO3):c.237del (p.Asn80fs)

Gene: FMO3 (flavin containing dimethylaniline monoxygenase 3; plus strand). Cytogenetic location: 1q24.3.
Variant type: Deletion.
Coding change: c.237del on transcript NM_001002294.3 (MANE Select); coding-DNA position 237, one base deleted (C; older notation c.237delC).
Protein change: p.Asn80fs; shifts the reading frame from asparagine 80.
Molecular consequence: frameshift variant. On other transcripts: intron variant (1).
Genome position (GRCh38, 1-based): chr1:171,103,889, C deleted; the last of 4 consecutive C bases (chr1:171,103,886-171,103,889); deleting any one gives the same sequence. VCF-style (leftmost placement, unchanged base first): chr1-171103885-TC-T. GRCh37 (hg19) VCF-style: chr1-171073026-TC-T.
Other names: c.237delC (NM_001002294.3, NM_006894.5); c.177del, p.Asn60fs (NM_001319173.2); c.237del, p.Asn80fs (NM_006894.6); c.133-3786del (NM_001319174.2); short protein forms N80fs, N60fs.
Identifiers: ClinVar variation 2828328 (VCV002828328.6), dbSNP rs777700920, ClinGen allele CA1240491.